The following is an entry in ClinVar:

NM_170606.3(KMT2C):c.121C>T (p.Arg41Cys)

Gene: KMT2C (lysine methyltransferase 2C; minus strand). Cytogenetic location: 7q36.1.
Variant type: single nucleotide variant.
Coding change: c.121C>T on transcript NM_170606.3 (MANE Select); coding-DNA position 121, C replaced by T.
Protein change: p.Arg41Cys; replaces arginine 41 with cysteine.
Molecular consequence: missense variant.
Genome position (GRCh38, 1-based): chr7:152,435,666, G>A on the plus strand (C>T on the coding strand, the complement: KMT2C is on the minus strand). VCF-style: chr7-152435666-G-A. GRCh37 (hg19) VCF-style: chr7-152132751-G-A.
Other names: short protein forms R41C.
Identifiers: ClinVar variation 3725949 (VCV003725949.4).

ClinVar aggregate classification (germline): Uncertain significance. Review status: criteria provided, multiple submitters, no conflicts (2 of 4 stars). 2 submissions from 2 submitters: Uncertain significance (2). Last evaluated 2024-11-24.

Conditions:
Kleefstra syndrome 2 (KLEFS2). Identifiers: MedGen C4540395, MONDO:0054701, OMIM 617768.

Submissions (2):

Labcorp Genetics (formerly Invitae), Labcorp
Classification: Uncertain significance. Last evaluated: 2024-11-24. Review status: criteria provided, single submitter. Criteria: Invitae Variant Classification Sherloc (09022015). Collection method: clinical testing. Allele origin: germline.
Comment: This sequence change replaces arginine, which is basic and polar, with cysteine, which is neutral and slightly polar, at codon 41 of the KMT2C protein (p.Arg41Cys). This variant is not present in population databases (gnomAD no frequency). This variant has not been reported in the literature in individuals affected with KMT2C-related conditions. An algorithm developed to predict the effect of missense changes on protein structure and function (PolyPhen-2) suggests that this variant is likely to be disruptive. In summary, the available evidence is currently insufficient to determine the role of this variant in disease. Therefore, it has been classified as a Variant of Uncertain Significance.

Juno Genomics, Hangzhou Juno Genomics, Inc
Classification: Uncertain significance for Kleefstra syndrome 2. Review status: criteria provided, single submitter. Criteria: ACMG Guidelines, 2015. Collection method: clinical testing. Allele origin: germline.
Comment: Absent from controls (or at extremely low frequency if recessive) in Genome Aggregation Database.;Missense variant in a gene that has a low rate of benign missense variation.